The following is an entry in ClinVar:

NM_144631.6(ZNF513):c.736C>G (p.Pro246Ala)

Gene: ZNF513 (zinc finger protein 513; minus strand). Cytogenetic location: 2p23.3.
Variant type: single nucleotide variant.
Coding change: c.736C>G on transcript NM_144631.6 (MANE Select); coding-DNA position 736, C replaced by G.
Protein change: p.Pro246Ala; replaces proline 246 with alanine.
Molecular consequence: missense variant.
Genome position (GRCh38, 1-based): chr2:27,378,530, G>C on the plus strand (C>G on the coding strand, the complement: ZNF513 is on the minus strand). VCF-style: chr2-27378530-G-C. GRCh37 (hg19) VCF-style: chr2-27601397-G-C.
Other names: c.550C>G, p.Pro184Ala (NM_001201459.2); short protein forms P246A, P184A.
Identifiers: ClinVar variation 960191 (VCV000960191.10), dbSNP rs772637253, ClinGen allele CA1577985.
Genomic context (GRCh38, chr2:27,378,530, plus strand): 5'-CAGGTCGCCGGGGCACCGCCCCCTCCTGCTCTGTGGGACTGGGAGGCCGGGCTGGTCGTG[G>C]AGTACAGCAGCGGAAGCCACAGGTCGGGCAGGGAGGAGTGGGGGGCCCTGCGTGGGTACG-3'
Protein context (NP_653232.3, residues 236-256): CPTCGFRCCT[Pro246Ala]RPARPPSPTE

ClinVar aggregate classification (germline): Uncertain significance (1 of 4 stars; one submission).

Allele frequency attached by ClinVar (database versions not stated): gnomAD 0.00001; 1000 Genomes Project 30x 0.00031.
gnomAD v4.1: 49 of 1,614,116 alleles (0.003%); highest among the groups gnomAD compares: South Asian, 0.053%; no homozygotes.

Submission:

Labcorp Genetics (formerly Invitae), Labcorp
Classification: Uncertain significance. Last evaluated: 2021-07-09. Review status: criteria provided, single submitter. Criteria: Invitae Variant Classification Sherloc (09022015). Collection method: clinical testing. Allele origin: germline.
Comment: In summary, the available evidence is currently insufficient to determine the role of this variant in disease. Therefore, it has been classified as a Variant of Uncertain Significance. Algorithms developed to predict the effect of missense changes on protein structure and function (SIFT, PolyPhen-2, Align-GVGD) all suggest that this variant is likely to be disruptive, but these predictions have not been confirmed by published functional studies and their clinical significance is uncertain. This variant has not been reported in the literature in individuals with ZNF513-related conditions. This variant is present in population databases (rs772637253, ExAC 0.03%). This sequence change replaces proline with alanine at codon 246 of the ZNF513 protein (p.Pro246Ala). The proline residue is highly conserved and there is a small physicochemical difference between proline and alanine.